The following is an entry in ClinVar:

ClinVar aggregate classification (germline): Likely benign. Review status: criteria provided, multiple submitters, no conflicts (2 of 4 stars). 2 submissions from 2 submitters: Likely benign (2). Last evaluated 2025-05-19.

Conditions:
Familial sleep-related hypermotor epilepsy. Also called: Autosomal Dominant Sleep-Related Hypermotor (Hyperkinetic) Epilepsy. Identifiers: Orphanet 98784, MedGen C3696898, MONDO:0000030.

Allele frequency attached by ClinVar (database versions not stated): gnomAD exomes below 0.00001 and 0.00001; TOPMed 0.00001; gnomAD 0.00001 and 0.00002; ExAC 0.00001.
gnomAD v4.1: 5 of 1,614,112 alleles (0.00031%); highest among the groups gnomAD compares: Admixed American, 0.0033%; no homozygotes.

Submissions (2):

Labcorp Genetics (formerly Invitae), Labcorp
Classification: Likely benign. Last evaluated: 2025-05-19. Review status: criteria provided, single submitter. Criteria: Invitae Variant Classification Sherloc (09022015). Collection method: clinical testing. Allele origin: germline.

GeneDx
Classification: Likely benign. Last evaluated: 2016-04-28. Review status: criteria provided, single submitter. Criteria: GeneDx Variant Classification (06012015). Collection method: clinical testing. Allele origin: germline. Affected: yes.
Comment: This variant is considered likely benign or benign based on one or more of the following criteria: it is a conservative change, it occurs at a poorly conserved position in the protein, it is predicted to be benign by multiple in silico algorithms, and/or has population frequency not consistent with disease.

NM_000748.3(CHRNB2):c.453C>T (p.Tyr151=)

Gene: CHRNB2 (cholinergic receptor nicotinic beta 2 subunit; plus strand). Cytogenetic location: 1q21.3.
Variant type: single nucleotide variant.
Coding change: c.453C>T on transcript NM_000748.3 (MANE Select); coding-DNA position 453, C replaced by T.
Protein change: p.Tyr151=; no amino-acid change (tyrosine 151 retained).
Molecular consequence: synonymous variant.
Genome position (GRCh38, 1-based): chr1:154,571,276, C>T. VCF-style: chr1-154571276-C-T. GRCh37 (hg19) VCF-style: chr1-154543752-C-T.
Identifiers: ClinVar variation 385728 (VCV000385728.9), dbSNP rs781506269, ClinGen allele CA1130734.